The following is an entry in ClinVar:

NM_001165963.4(SCN1A):c.1000C>G (p.Leu334Val)

Gene: SCN1A (sodium voltage-gated channel alpha subunit 1; minus strand). Cytogenetic location: 2q24.3.
Variant type: single nucleotide variant.
Coding change: c.1000C>G on transcript NM_001165963.4 (MANE Select); coding-DNA position 1000, C replaced by G.
Protein change: p.Leu334Val; replaces leucine 334 with valine.
Molecular consequence: missense variant. On other transcripts: 5 prime UTR variant (1), non-coding transcript variant (1).
Genome position (GRCh38, 1-based): chr2:166,048,914, G>C on the plus strand (C>G on the coding strand, the complement: SCN1A is on the minus strand). VCF-style: chr2-166048914-G-C. GRCh37 (hg19) VCF-style: chr2-166905424-G-C.
Other names: p.L334V:CTA>GTA; c.1000C>G, p.Leu334Val (NM_001165964.3, NM_001202435.3, NM_001353948.2 and 10 more transcripts); c.-1426C>G (NM_001353961.2); c.1000C>G (NM_001202435.1); short protein forms L334V.
Identifiers: ClinVar variation 206934 (VCV000206934.72), dbSNP rs201870762, ClinGen allele CA317775.

ClinVar aggregate classification (germline): Conflicting classifications of pathogenicity. Review status: criteria provided, conflicting classifications (1 of 4 stars). 10 submissions from 9 submitters: Uncertain significance (1); Benign (4); Likely benign (5). Last evaluated 2025-12-09.

Conditions:
SCN1A-related disorder. Also called: SCN1A-related disorders; SCN1A-related conditions; SCN1A-related condition.
Migraine, familial hemiplegic, 3. Identifiers: Orphanet 569, MedGen C1864987, MONDO:0012320, OMIM 609634.
Early-infantile DEE. Also called: Ohtahara syndrome; Early infantile epileptic encephalopathy; Early infantile epileptic encephalopathy with suppression bursts. Identifiers: Orphanet 1934, MedGen C0393706, MONDO:0800491.
Inborn genetic diseases. Identifiers: MedGen C0950123, MeSH D030342.
Generalized epilepsy with febrile seizures plus, type 2 (GEFSP2). Also called: GEFS+, TYPE 2. Identifiers: Orphanet 36387, MedGen C1858673, MONDO:0011461, OMIM 604403.

Allele frequency attached by ClinVar (database versions not stated): ExAC 0.00019; ESP Exome Variant Server 0.00023; gnomAD 0.00027 and 0.00030; gnomAD exomes 0.00034; TOPMed 0.00046.
gnomAD v4.1: 247 of 1,606,378 alleles (0.015%); highest among the groups gnomAD compares: Admixed American, 0.065%; no homozygotes.

Submissions (20):

Labcorp Genetics (formerly Invitae), Labcorp
Classification: Benign for Early-infantile DEE. Last evaluated: 2025-12-09. Review status: criteria provided, single submitter. Criteria: Invitae Variant Classification Sherloc (09022015). Collection method: clinical testing. Allele origin: germline.

CeGaT Center for Human Genetics Tuebingen
Classification: Likely benign. Last evaluated: 2025-08-01. Review status: criteria provided, single submitter. Criteria: CeGaT Center For Human Genetics Tuebingen Variant Classification Criteria Version 2. Collection method: clinical testing. Allele origin: germline. Affected: yes. Observed: 1 variant allele.
Comment: SCN1A: BS2

PreventionGenetics, part of Exact Sciences
Classification: Likely benign for SCN1A-related condition. Last evaluated: 2024-11-01. Review status: criteria provided, single submitter. Criteria: ACMG Guidelines, 2015. Collection method: clinical testing. Allele origin: germline.
Comment: This variant is classified as likely benign based on ACMG/AMP sequence variant interpretation guidelines (Richards et al. 2015 PMID: 25741868, with internal and published modifications).

Athena Diagnostics
Classification: Benign. Last evaluated: 2024-09-23. Review status: criteria provided, single submitter. Criteria: Athena Diagnostics Criteria. Collection method: clinical testing. Allele origin: unknown.

Blueprint Genetics
Classification: Likely benign. Last evaluated: 2024-03-18. Review status: criteria provided, single submitter. Criteria: ACMG Guidelines, 2015. Collection method: clinical testing. Allele origin: germline.

Women's Health and Genetics/Laboratory Corporation of America, LabCorp
Classification: Likely benign. Last evaluated: 2021-09-08. Review status: criteria provided, single submitter. Criteria: LabCorp Variant Classification Summary - May 2015. Collection method: clinical testing. Allele origin: germline.
Comment: Variant summary: SCN1A c.1000C>G (p.Leu334Val) results in a conservative amino acid change located in the Ion transport domain (IPR005821) of the encoded protein sequence. Three of five in-silico tools predict a damaging effect of the variant on protein function. The variant allele was found at a frequency of 0.00034 in 250382 control chromosomes, predominantly at a frequency of 0.00038 within the Latino subpopulation in the gnomAD database. The observed variant frequency within Latino control individuals in the gnomAD database is approximately 21 fold of the estimated maximal expected allele frequency for a pathogenic variant in SCN1A causing SCN1A-Related Seizure Disorder phenotype (1.8e-05), strongly suggesting that the variant is a benign polymorphism found primarily in populations of Latino origin. To our knowledge, no occurrence of c.1000C>G in individuals affected with SCN1A-Related Seizure Disorder and no experimental evidence demonstrating its impact on protein function have been reported. Six ClinVar submitters (evaluation after 2014) cite the variant as benign (n=2), likely benign (n=2) and uncertain significance (n=2). Based on the evidence outlined above, the variant was classified as likely benign.

Ambry Genetics
Classification: Benign for Inborn genetic diseases. Last evaluated: 2019-03-13. Review status: criteria provided, single submitter. Criteria: Ambry Variant Classification Scheme 2023. Collection method: clinical testing. Allele origin: germline.

GeneDx
Classification: Benign. Last evaluated: 2018-08-21. Review status: criteria provided, single submitter. Criteria: GeneDx Variant Classification Process June 2021. Collection method: clinical testing. Allele origin: germline. Affected: yes.

Illumina Laboratory Services, Illumina
Classification: Likely benign for Migraine, familial hemiplegic, 3. Last evaluated: 2018-01-13. Review status: criteria provided, single submitter. Criteria: ICSL Variant Classification Criteria 13 December 2019. Collection method: clinical testing. Allele origin: germline.
Comment: This variant was observed in the ICSL laboratory as part of a predisposition screen in an ostensibly healthy population. It had not been previously curated by ICSL or reported in the Human Gene Mutation Database (HGMD: prior to June 1st, 2018), and was therefore a candidate for classification through an automated scoring system. Utilizing variant allele frequency, disease prevalence and penetrance estimates, and inheritance mode, an automated score was calculated to assess if this variant is too frequent to cause the disease. Based on the score and internal cut-off values, a variant classified as likely benign is not then subjected to further curation. The score for this variant resulted in a classification of likely benign for this disease.

Illumina Laboratory Services, Illumina
Classification: Uncertain significance for Generalized epilepsy with febrile seizures plus, type 2. Last evaluated: 2018-01-13. Review status: criteria provided, single submitter. Criteria: ICSL Variant Classification Criteria 13 December 2019. Collection method: clinical testing. Allele origin: germline.

Channelopathy-Associated Epilepsy Research Center
No classification provided (evidence only). Review status: no classification provided. Collection method: in vitro. Allele origin: not applicable. Functional consequence: Decrease in peak current. Not counted in ClinVar's aggregate classification.

Channelopathy-Associated Epilepsy Research Center
No classification provided (evidence only). Review status: no classification provided. Collection method: in vitro. Allele origin: not applicable. Functional consequence: Normal voltage dependence of activation. Not counted in ClinVar's aggregate classification.

Channelopathy-Associated Epilepsy Research Center
No classification provided (evidence only). Review status: no classification provided. Collection method: in vitro. Allele origin: not applicable. Functional consequence: Normal slope of activation. Not counted in ClinVar's aggregate classification.

Channelopathy-Associated Epilepsy Research Center
No classification provided (evidence only). Review status: no classification provided. Collection method: in vitro. Allele origin: not applicable. Functional consequence: Normal voltage dependence of fast inactivation. Not counted in ClinVar's aggregate classification.

Channelopathy-Associated Epilepsy Research Center
No classification provided (evidence only). Review status: no classification provided. Collection method: in vitro. Allele origin: not applicable. Functional consequence: Increase in slope of fast inactivation. Not counted in ClinVar's aggregate classification.

Channelopathy-Associated Epilepsy Research Center
No classification provided (evidence only). Review status: no classification provided. Collection method: in vitro. Allele origin: not applicable. Functional consequence: Normal rate of recovery from fast inactivation. Not counted in ClinVar's aggregate classification.

Channelopathy-Associated Epilepsy Research Center
No classification provided (evidence only). Review status: no classification provided. Collection method: in vitro. Allele origin: not applicable. Functional consequence: Normal current amplitude in use dependence. Not counted in ClinVar's aggregate classification.

Channelopathy-Associated Epilepsy Research Center
No classification provided (evidence only). Review status: no classification provided. Collection method: in vitro. Allele origin: not applicable. Functional consequence: Slowing of fast inactivation. Not counted in ClinVar's aggregate classification.

Channelopathy-Associated Epilepsy Research Center
No classification provided (evidence only). Review status: no classification provided. Collection method: in vitro. Allele origin: not applicable. Functional consequence: Normal ramp current. Not counted in ClinVar's aggregate classification.

Channelopathy-Associated Epilepsy Research Center
No classification provided (evidence only). Review status: no classification provided. Collection method: in vitro. Allele origin: not applicable. Functional consequence: Normal persistent current. Not counted in ClinVar's aggregate classification.

Literature cited by the submitters: PubMed 32276107 (cited by Athena Diagnostics).